The following is an entry in ClinVar:

NM_001184.4(ATR):c.2917A>C (p.Asn973His)

Gene: ATR (ATR checkpoint kinase; minus strand). Cytogenetic location: 3q23.
Variant type: single nucleotide variant.
Coding change: c.2917A>C on transcript NM_001184.4 (MANE Select); coding-DNA position 2917, A replaced by C.
Protein change: p.Asn973His; replaces asparagine 973 with histidine.
Molecular consequence: missense variant.
Genome position (GRCh38, 1-based): chr3:142,550,191, T>G on the plus strand (A>C on the coding strand, the complement: ATR is on the minus strand). VCF-style: chr3-142550191-T-G. GRCh37 (hg19) VCF-style: chr3-142269033-T-G.
Other names: c.2725A>C, p.Asn909His (NM_001354579.2); short protein forms N909H, N973H.
Identifiers: ClinVar variation 2587577 (VCV002587577.2), dbSNP rs2473366797, ClinGen allele CA354812749.

ClinVar aggregate classification (germline): Uncertain significance (1 of 4 stars; one submission).

Conditions:
Inborn genetic diseases. Identifiers: MedGen C0950123, MeSH D030342.

Submission:

Ambry Genetics
Classification: Uncertain significance for Inborn genetic diseases. Last evaluated: 2023-07-27. Review status: criteria provided, single submitter. Criteria: Ambry Variant Classification Scheme 2023. Collection method: clinical testing. Allele origin: germline.
Comment: The p.N973H variant (also known as c.2917A>C), located in coding exon 14 of the ATR gene, results from an A to C substitution at nucleotide position 2917. The asparagine at codon 973 is replaced by histidine, an amino acid with similar properties. This amino acid position is conserved. In addition, this alteration is predicted to be tolerated by in silico analysis. Since supporting evidence is limited at this time, the clinical significance of this alteration remains unclear.